The following is an entry in ClinVar:

ClinVar aggregate classification (germline): Uncertain significance (1 of 4 stars; one submission).

Submission:

Labcorp Genetics (formerly Invitae), Labcorp
Classification: Uncertain significance. Last evaluated: 2022-08-19. Review status: criteria provided, single submitter. Criteria: Invitae Variant Classification Sherloc (09022015). Collection method: clinical testing. Allele origin: germline.
Comment: In summary, the available evidence is currently insufficient to determine the role of this variant in disease. Therefore, it has been classified as a Variant of Uncertain Significance. Algorithms developed to predict the effect of missense changes on protein structure and function are either unavailable or do not agree on the potential impact of this missense change (SIFT: "Deleterious"; PolyPhen-2: "Probably Damaging"; Align-GVGD: "Class C15"). This variant has not been reported in the literature in individuals affected with DCHS1-related conditions. This variant is not present in population databases (gnomAD no frequency). This sequence change replaces valine, which is neutral and non-polar, with methionine, which is neutral and non-polar, at codon 1181 of the DCHS1 protein (p.Val1181Met).

NM_003737.4(DCHS1):c.3541G>A (p.Val1181Met)

Gene: DCHS1 (dachsous cadherin-related 1; minus strand). Cytogenetic location: 11p15.4.
Variant type: single nucleotide variant.
Coding change: c.3541G>A on transcript NM_003737.4 (MANE Select); coding-DNA position 3541, G replaced by A.
Protein change: p.Val1181Met; replaces valine 1181 with methionine.
Molecular consequence: missense variant.
Genome position (GRCh38, 1-based): chr11:6,631,750, C>T on the plus strand (G>A on the coding strand, the complement: DCHS1 is on the minus strand). VCF-style: chr11-6631750-C-T. GRCh37 (hg19) VCF-style: chr11-6652981-C-T.
Other names: short protein forms V1181M.
Identifiers: ClinVar variation 1716716 (VCV001716716.5), dbSNP rs2493827810, ClinGen allele CA379412295.
Genomic context (GRCh38, chr11:6,631,750, plus strand): 5'-CTGCAACATGCACAGTGCCTGTGGTGCTGCGGGGTGGGCTCCCTCCATCCTGCACCTGCA[C>T]CAGGAGCTGATAGCTGCTCTGCTGCTCACGGTCCAGGGTTTGGAGTGTGGTCACTTCTCC-3'
Protein context (NP_003728.1, residues 1171-1191): REQQSSYQLL[Val1181Met]QVQDGGSPPR